The following is an entry in ClinVar:

NM_000352.6(ABCC8):c.1220T>A (p.Leu407Gln)

Gene: ABCC8 (ATP binding cassette subfamily C member 8; minus strand). Cytogenetic location: 11p15.1.
Variant type: single nucleotide variant.
Coding change: c.1220T>A on transcript NM_000352.6 (MANE Select); coding-DNA position 1220, T replaced by A.
Protein change: p.Leu407Gln; replaces leucine 407 with glutamine.
Molecular consequence: missense variant. On other transcripts: non-coding transcript variant (1).
Genome position (GRCh38, 1-based): chr11:17,448,628, A>T on the plus strand (T>A on the coding strand, the complement: ABCC8 is on the minus strand). VCF-style: chr11-17448628-A-T. GRCh37 (hg19) VCF-style: chr11-17470175-A-T.
Other names: c.1220T>A, p.Leu407Gln (NM_001287174.3, NM_001351295.2); c.1217T>A, p.Leu406Gln (NM_001351296.2, NM_001351297.2); short protein forms L407Q, L406Q.
Identifiers: ClinVar variation 585341 (VCV000585341.4), dbSNP rs1564955834, ClinGen allele CA379768742.

ClinVar aggregate classification (germline): Uncertain significance. Review status: criteria provided, multiple submitters, no conflicts (2 of 4 stars). 3 submissions from 2 submitters: Uncertain significance (3). Last evaluated 2018-01-11.

Conditions:
Maturity-onset diabetes of the young (MODY). Also called: Maturity onset diabetes mellitus in young. Identifiers: Orphanet 552, MedGen C0342276, MONDO:0018911, HP:0004904.
Transitory neonatal diabetes mellitus. Also called: Transient neonatal diabetes mellitus. Identifiers: MedGen C0342273, MONDO:0020525, HP:0008255.

Submissions (3):

Athena Diagnostics
Classification: Uncertain significance. Last evaluated: 2018-01-11. Review status: criteria provided, single submitter. Criteria: Athena Diagnostics Criteria. Collection method: clinical testing. Allele origin: germline.

Clinical Genomics, Uppaluri K&H Personalized Medicine Clinic
Classification: Uncertain significance for Maturity-onset diabetes of the young. Review status: criteria provided, single submitter. Criteria: K & H Uppaluri Personalized Medicine Clinic Variant Classification & Assertion Criteria_Updated V.1. Collection method: research. Allele origin: unknown. Inheritance: Somatic mutation.
Comment: Mutations in ABCC8 gene are associated with both neonatal diabetes mellitus as well as MODY. Patients with this mutation may have a better response to sulfonylureas. However, no sufficient evidence is found to ascertain the role of this particular variant ( rs1564955834) in MODY yet.

Clinical Genomics, Uppaluri K&H Personalized Medicine Clinic
Classification: Uncertain significance for Transitory neonatal diabetes mellitus. Review status: criteria provided, single submitter. Criteria: K & H Uppaluri Personalized Medicine Clinic Variant Classification & Assertion Criteria_Updated V.1. Collection method: research. Allele origin: unknown. Inheritance: Somatic mutation.
Comment: Mutations in ABCC8 gene are associated with both neonatal diabetes mellitus as well as MODY. Patients with this mutation may have a better response to sulfonylureas. However, no sufficient evidence is found to ascertain the role of this particular variant ( rs1564955834) in neonatal diabetes yet.

Literature cited by the submitters: PubMed 16885549 (cited by Clinical Genomics, Uppaluri K&H Personalized Medicine Clinic); PubMed 21989597 (cited by Clinical Genomics, Uppaluri K&H Personalized Medicine Clinic); PubMed 27538677 (cited by Clinical Genomics, Uppaluri K&H Personalized Medicine Clinic); PubMed 18981553 (cited by Clinical Genomics, Uppaluri K&H Personalized Medicine Clinic); PubMed 32027066 (cited by Clinical Genomics, Uppaluri K&H Personalized Medicine Clinic); PubMed 16613899 (cited by Clinical Genomics, Uppaluri K&H Personalized Medicine Clinic); PubMed 18025408 (cited by Clinical Genomics, Uppaluri K&H Personalized Medicine Clinic); PubMed 32792356 (cited by Clinical Genomics, Uppaluri K&H Personalized Medicine Clinic).